The following is an entry in ClinVar:

ClinVar aggregate classification (germline): Uncertain significance (1 of 4 stars; one submission).

Allele frequency attached by ClinVar (database versions not stated): gnomAD exomes below 0.00001; ExAC 0.00001.
gnomAD v4.1: 1 of 1,601,052 alleles (0.000062%); highest among the groups gnomAD compares: Non-Finnish European, 0.000085%; no homozygotes.

Submission:

Labcorp Genetics (formerly Invitae), Labcorp
Classification: Uncertain significance. Last evaluated: 2021-06-08. Review status: criteria provided, single submitter. Criteria: Invitae Variant Classification Sherloc (09022015). Collection method: clinical testing. Allele origin: germline.
Comment: This sequence change creates a premature translational stop signal (p.Gln789*) in the RASA2 gene. It is expected to result in an absent or disrupted protein product. However, the current clinical and genetic evidence is not sufficient to establish whether loss-of-function variants in RASA2 cause disease. This variant is present in population databases (rs760281563, ExAC 0.002%). This variant has not been reported in the literature in individuals with RASA2-related conditions. In summary, the available evidence is currently insufficient to determine the role of this variant in disease. Therefore, it has been classified as a Variant of Uncertain Significance.

NM_006506.5(RASA2):c.2365C>T (p.Gln789Ter)

Gene: RASA2 (RAS p21 protein activator 2; plus strand). Cytogenetic location: 3q23.
Variant type: single nucleotide variant.
Coding change: c.2365C>T on transcript NM_006506.5 (MANE Select); coding-DNA position 2365, C replaced by T.
Protein change: p.Gln789Ter; replaces glutamine 789 with a stop codon.
Molecular consequence: nonsense.
Genome position (GRCh38, 1-based): chr3:141,609,912, C>T. VCF-style: chr3-141609912-C-T. GRCh37 (hg19) VCF-style: chr3-141328754-C-T.
Other names: c.2368C>T, p.Gln790Ter (NM_001303245.3); c.2377C>T, p.Gln793Ter (NM_001303246.3); short protein forms Q789*, Q790*, Q793*.
Identifiers: ClinVar variation 1490423 (VCV001490423.6), dbSNP rs760281563, ClinGen allele CA2645832.